The following is an entry in ClinVar:

NM_030773.4(TUBB1):c.824C>A (p.Ala275Asp)

Gene: TUBB1 (tubulin beta 1 class VI; plus strand). Cytogenetic location: 20q13.32.
Variant type: single nucleotide variant.
Coding change: c.824C>A on transcript NM_030773.4 (MANE Select); coding-DNA position 824, C replaced by A.
Protein change: p.Ala275Asp; replaces alanine 275 with aspartic acid.
Molecular consequence: missense variant.
Genome position (GRCh38, 1-based): chr20:59,024,251, C>A. VCF-style: chr20-59024251-C-A. GRCh37 (hg19) VCF-style: chr20-57599306-C-A.
Other names: short protein forms A275D.
Identifiers: ClinVar variation 3768474 (VCV003768474.1).
Genomic context (GRCh38, chr20:59,024,251, plus strand): 5'-TGAACATGGTCCCCTTCCCCCGCCTGCACTTCTTTATGCCCGGCTTTGCCCCACTCACGG[C>A]CCAGGGCAGCCAGCAGTACCGAGCCCTCTCCGTGGCCGAGCTCACCCAGCAGATGTTCGA-3'
Protein context (NP_110400.1, residues 265-285): FFMPGFAPLT[Ala275Asp]QGSQQYRALS

ClinVar aggregate classification (germline): Uncertain significance (1 of 4 stars; one submission).

Submission:

Women's Health and Genetics/Laboratory Corporation of America, LabCorp
Classification: Uncertain significance. Last evaluated: 2024-12-23. Review status: criteria provided, single submitter. Criteria: LabCorp Variant Classification Summary - May 2015. Collection method: clinical testing. Allele origin: germline.
Comment: Variant summary: TUBB1 c.824C>A (p.Ala275Asp) results in a non-conservative amino acid change located in the Tubulin C-terminal domain-like domain (IPR008280) of the encoded protein sequence. Three of five in-silico tools predict a benign effect of the variant on protein function. The variant was absent in 251190 control chromosomes. The available data on variant occurrences in the general population are insufficient to allow any conclusion about variant significance. To our knowledge, no occurrence of c.824C>A in individuals affected with Autosomal Dominant Macrothrombocytopenia TUBB1-Related and no experimental evidence demonstrating its impact on protein function have been reported. No submitters have cited clinical-significance assessments for this variant to ClinVar. Based on the evidence outlined above, the variant was classified as uncertain significance.